The following is an entry in ClinVar:

ClinVar aggregate classification (germline): Likely pathogenic (1 of 4 stars; one submission).

Submission:

GeneDx
Classification: Likely pathogenic. Last evaluated: 2025-06-17. Review status: criteria provided, single submitter. Criteria: GeneDx Variant Classification Process June 2021. Collection method: clinical testing. Allele origin: germline. Affected: yes.
Comment: De novo variant with confirmed parentage in patients in published literature from cohorts of individuals with developmental disorders; however, detailed clinical information was not provided (PMID: 33057194, 31785789); Nonsense variant predicted to result in protein truncation or nonsense mediated decay in a gene for which loss of function is a known mechanism of disease; Not observed at significant frequency in large population cohorts (gnomAD); This variant is associated with the following publications: (PMID: 33057194, 31785789, 35982159)

NM_004766.3(COPB2):c.181C>T (p.Arg61Ter)

Gene: COPB2 (coat protein complex I subunit beta 2; minus strand). Cytogenetic location: 3q23.
Variant type: single nucleotide variant.
Coding change: c.181C>T on transcript NM_004766.3 (MANE Select); coding-DNA position 181, C replaced by T.
Protein change: p.Arg61Ter; replaces arginine 61 with a stop codon.
Molecular consequence: nonsense. On other transcripts: non-coding transcript variant (1).
Genome position (GRCh38, 1-based): chr3:139,379,427, G>A on the plus strand (C>T on the coding strand, the complement: COPB2 is on the minus strand). VCF-style: chr3-139379427-G-A. GRCh37 (hg19) VCF-style: chr3-139098269-G-A.
Other names: c.94C>T, p.Arg32Ter (NM_001410834.1); short protein forms R32*, R61*.
Identifiers: ClinVar variation 4538598 (VCV004538598.1).
Genomic context (GRCh38, chr3:139,379,427, plus strand): 5'-ATTAATTACTTACCGCTCCTGTCACAACCCAATTCTTCCTTGCAACAAACTTTGCAGCTC[G>A]AACAGGAAGATCACATACTTCAAATGTCTTCACCAGTGTCTTTAAAATGTAACAAGAATA-3'